The following is an entry in ClinVar:

NM_004525.3(LRP2):c.3670A>G (p.Thr1224Ala)

Gene: LRP2 (LDL receptor related protein 2; minus strand). Cytogenetic location: 2q31.1.
Variant type: single nucleotide variant.
Coding change: c.3670A>G on transcript NM_004525.3 (MANE Select); coding-DNA position 3670, A replaced by G.
Protein change: p.Thr1224Ala; replaces threonine 1224 with alanine.
Molecular consequence: missense variant.
Genome position (GRCh38, 1-based): chr2:169,241,363, T>C on the plus strand (A>G on the coding strand, the complement: LRP2 is on the minus strand). VCF-style: chr2-169241363-T-C. GRCh37 (hg19) VCF-style: chr2-170097873-T-C.
Other names: short protein forms T1224A.
Identifiers: ClinVar variation 1362886 (VCV001362886.3), dbSNP rs1265800440, ClinGen allele CA349148963.

ClinVar aggregate classification (germline): Uncertain significance (1 of 4 stars; one submission).

Allele frequency attached by ClinVar (database versions not stated): gnomAD exomes below 0.00001; TOPMed below 0.00001; gnomAD 0.00001.
gnomAD v4.1: 6 of 1,614,006 alleles (0.00037%); highest among the groups gnomAD compares: Non-Finnish European, 0.00042%; no homozygotes.

Submission:

Labcorp Genetics (formerly Invitae), Labcorp
Classification: Uncertain significance. Last evaluated: 2022-07-05. Review status: criteria provided, single submitter. Criteria: Invitae Variant Classification Sherloc (09022015). Collection method: clinical testing. Allele origin: germline.
Comment: This sequence change replaces threonine, which is neutral and polar, with alanine, which is neutral and non-polar, at codon 1224 of the LRP2 protein (p.Thr1224Ala). This variant is not present in population databases (gnomAD no frequency). This variant has not been reported in the literature in individuals affected with LRP2-related conditions. ClinVar contains an entry for this variant (Variation ID: 1362886). Algorithms developed to predict the effect of missense changes on protein structure and function are either unavailable or do not agree on the potential impact of this missense change (SIFT: "Deleterious"; PolyPhen-2: "Possibly Damaging"; Align-GVGD: "Class C0"). Algorithms developed to predict the effect of sequence changes on RNA splicing suggest that this variant may create or strengthen a splice site. In summary, the available evidence is currently insufficient to determine the role of this variant in disease. Therefore, it has been classified as a Variant of Uncertain Significance.